The following is an entry in ClinVar:

ClinVar aggregate classification (germline): Likely benign (1 of 4 stars; one submission).

Submission:

CeGaT Center for Human Genetics Tuebingen
Classification: Likely benign. Last evaluated: 2026-03-01. Review status: criteria provided, single submitter. Criteria: CeGaT Center For Human Genetics Tuebingen Variant Classification Criteria Version 2. Collection method: clinical testing. Allele origin: germline. Affected: yes. Observed: 1 variant allele.
Comment: SLC25A12: BP4, BP7

NM_003705.5(SLC25A12):c.1002A>G (p.Ser334=)

Gene: SLC25A12 (solute carrier family 25 member 12; minus strand). Cytogenetic location: 2q31.1.
Variant type: single nucleotide variant.
Coding change: c.1002A>G on transcript NM_003705.5 (MANE Select); coding-DNA position 1002, A replaced by G.
Protein change: p.Ser334=; no amino-acid change (serine 334 retained).
Molecular consequence: synonymous variant. On other transcripts: non-coding transcript variant (1).
Genome position (GRCh38, 1-based): chr2:171,815,131, T>C on the plus strand (A>G on the coding strand, the complement: SLC25A12 is on the minus strand). VCF-style: chr2-171815131-T-C. GRCh37 (hg19) VCF-style: chr2-172671641-T-C.
Identifiers: ClinVar variation 4823728 (VCV004823728.4).